The following is an entry in ClinVar:

NM_206933.4(USH2A):c.10388A>G (p.Asp3463Gly)

Gene: USH2A (usherin; minus strand). Cytogenetic location: 1q41.
Variant type: single nucleotide variant.
Coding change: c.10388A>G on transcript NM_206933.4 (MANE Select); coding-DNA position 10388, A replaced by G.
Protein change: p.Asp3463Gly; replaces aspartic acid 3463 with glycine.
Molecular consequence: missense variant.
Genome position (GRCh38, 1-based): chr1:215,782,935, T>C on the plus strand (A>G on the coding strand, the complement: USH2A is on the minus strand). VCF-style: chr1-215782935-T-C. GRCh37 (hg19) VCF-style: chr1-215956277-T-C.
Other names: short protein forms D3463G.
Identifiers: ClinVar variation 967058 (VCV000967058.7), dbSNP rs146014881, ClinGen allele CA1394026.

ClinVar aggregate classification (germline): Uncertain significance. Review status: criteria provided, multiple submitters, no conflicts (2 of 4 stars). 5 submissions from 5 submitters: Uncertain significance (4). 1 of the submissions does not count toward it. Last evaluated 2025-09-30.

Conditions:
USH2A-related disorder. Also called: USH2A-related disorders; USH2A-related condition. Identifiers: MedGen CN239332.
Usher syndrome type 2A. Also called: RETINAL DISEASE IN USHER SYNDROME TYPE IIA, MODIFIER OF; USHER SYNDROME, TYPE IIA. Identifiers: Orphanet 231178, Orphanet 886, MedGen C1848634, MONDO:0010169, OMIM 276901.
Retinal dystrophy. Also called: Inherited retinal dystrophy. Identifiers: Orphanet 71862, MedGen C0854723, MeSH D058499, MONDO:0019118, HP:0000556.

Allele frequency attached by ClinVar (database versions not stated): gnomAD exomes 0.00002 and 0.00011; TOPMed 0.00003; gnomAD 0.00006 and 0.00007; ExAC 0.00012; 1000 Genomes Project 0.00060; 1000 Genomes Project 30x 0.00062.
gnomAD v4.1: 45 of 1,612,698 alleles (0.0028%); highest among the groups gnomAD compares: East Asian, 0.096%; no homozygotes.

Submissions (5):

PreventionGenetics, part of Exact Sciences
Classification: Uncertain significance for USH2A-related condition. Last evaluated: 2025-09-30. Review status: criteria provided, single submitter. Criteria: ACMG Guidelines, 2015. Collection method: clinical testing. Allele origin: germline.
Comment: The USH2A c.10388A>G variant is predicted to result in the amino acid substitution p.Asp3463Gly. To our knowledge, this variant has not been reported in the literature. This variant is reported in 0.17% of alleles in individuals of East Asian descent in gnomAD v2. However, in gnomAD v4 (available only on GRCh38), this variant is reported in 0.096% of alleles in individuals of East Asian descent, including zero homozygotes. Although we suspect that this variant may be benign, at this time, the clinical significance of this variant is uncertain due to the absence of conclusive functional and genetic evidence.

Dept Of Ophthalmology, Nagoya University
Classification: Uncertain significance for Retinal dystrophy. Last evaluated: 2023-10-01. Review status: criteria provided, single submitter. Criteria: Submitter's publication. Collection method: research. Allele origin: germline. Affected: yes.

GeneDx
Classification: Uncertain significance. Last evaluated: 2023-07-14. Review status: criteria provided, single submitter. Criteria: GeneDx Variant Classification Process June 2021. Collection method: clinical testing. Allele origin: germline. Affected: yes.
Comment: In silico analysis supports that this missense variant has a deleterious effect on protein structure/function; Has not been previously published as pathogenic or benign to our knowledge

Labcorp Genetics (formerly Invitae), Labcorp
Classification: Uncertain significance. Last evaluated: 2022-07-25. Review status: criteria provided, single submitter. Criteria: Invitae Variant Classification Sherloc (09022015). Collection method: clinical testing. Allele origin: germline.
Comment: This sequence change replaces aspartic acid, which is acidic and polar, with glycine, which is neutral and non-polar, at codon 3463 of the USH2A protein (p.Asp3463Gly). This variant is present in population databases (rs146014881, gnomAD 0.2%). This missense change has been observed in individual(s) with clinical features of USH2A-related conditions (Invitae). ClinVar contains an entry for this variant (Variation ID: 967058). Algorithms developed to predict the effect of missense changes on protein structure and function (SIFT, PolyPhen-2, Align-GVGD) all suggest that this variant is likely to be disruptive. Algorithms developed to predict the effect of sequence changes on RNA splicing suggest that this variant may create or strengthen a splice site. In summary, the available evidence is currently insufficient to determine the role of this variant in disease. Therefore, it has been classified as a Variant of Uncertain Significance.

Natera, Inc.
Classification: Uncertain significance for Usher syndrome type 2A. Last evaluated: 2020-01-23. Review status: no assertion criteria provided. Collection method: clinical testing. Allele origin: germline. Not counted in ClinVar's aggregate classification.